The following is an entry in ClinVar:

ClinVar aggregate classification (germline): Uncertain significance. Review status: criteria provided, multiple submitters, no conflicts (2 of 4 stars). 4 submissions from 4 submitters: Uncertain significance (4). Last evaluated 2026-04-30.

Conditions:
Hereditary sensory neuropathy-deafness-dementia syndrome. Also called: NEUROPATHY, HEREDITARY SENSORY, WITH HEARING LOSS AND DEMENTIA; Hereditary Sensory and Autonomic Neuropathy Type 1E (HSAN1E); Hereditary sensory neuropathy type IE; HSN IE. Identifiers: Orphanet 456318, MedGen C3279885, MONDO:0013584, OMIM 614116.
Postlingual sensorineural hearing impairment. Identifiers: MedGen C4024654, HP:0008596.

Submissions (4):

Laboratory of Molecular, Cellular and Translation Genetics in Otolaryngology/ Lim32-hcfmusp, University of Sao Paulo School of Medicine Clinics Hospital
Classification: Uncertain significance for Postlingual sensorineural hearing impairment. Last evaluated: 2026-04-30. Review status: criteria provided, single submitter. Criteria: ACMG Guidelines, 2015. Collection method: research. Allele origin: germline. Affected: yes.
Comment: NM_001130823.3:c.3458_3466dup. This variant has been classified as a variant of uncertain significance (VUS). It is rare in population databases (PM2_supporting) and results in a protein length change due to an in-frame duplication in a non-repeat region (PM4). Although the clinical presentation and inheritance pattern may be suggestive of autosomal dominant cerebellar ataxia, deafness, and narcolepsy, the available evidence is insufficient to establish a causal role for this variant as described in PMID: 42233699.

Labcorp Genetics (formerly Invitae), Labcorp
Classification: Uncertain significance for Hereditary sensory neuropathy-deafness-dementia syndrome. Last evaluated: 2025-12-17. Review status: criteria provided, single submitter. Criteria: Invitae Variant Classification Sherloc (09022015). Collection method: clinical testing. Allele origin: germline.
Comment: This variant, c.3458_3466dup, results in the insertion of 3 amino acid(s) of the DNMT1 protein (p.Pro1153_Leu1155dup), but otherwise preserves the integrity of the reading frame. This variant is present in population databases (no rsID available, gnomAD no frequency). This variant has not been reported in the literature in individuals affected with DNMT1-related conditions. ClinVar contains an entry for this variant (Variation ID: 801417). Experimental studies and prediction algorithms are not available or were not evaluated, and the functional significance of this variant is currently unknown. In summary, the available evidence is currently insufficient to determine the role of this variant in disease. Therefore, it has been classified as a Variant of Uncertain Significance.

GeneDx
Classification: Uncertain significance. Last evaluated: 2025-04-22. Review status: criteria provided, single submitter. Criteria: GeneDx Variant Classification Process June 2021. Collection method: clinical testing. Allele origin: germline. Affected: yes.
Comment: Not observed at significant frequency in large population cohorts (gnomAD); In-frame duplication of 3 amino acids in a non-repeat region; Has not been previously published as pathogenic or benign to our knowledge

Mendelics
Classification: Uncertain significance. Last evaluated: 2019-05-28. Review status: criteria provided, single submitter. Criteria: Mendelics Assertion Criteria 2017. Collection method: clinical testing. Allele origin: unknown.

Literature cited by the submitters: PubMed 42233699 (cited by Laboratory of Molecular, Cellular and Translation Genetics in Otolaryngology/ Lim32-hcfmusp, University of Sao Paulo School of Medicine Clinics Hospital).

NM_001130823.3(DNMT1):c.3458_3466dup (p.Pro1153_Leu1155dup)

Genes: DNMT1 (DNA methyltransferase 1; minus strand), SHFL (shiftless antiviral inhibitor of ribosomal frameshifting; plus strand). Cytogenetic location: 19p13.2.
Variant type: Duplication.
Coding change: c.3458_3466dup on transcript NM_001130823.3 (MANE Select); coding-DNA positions 3458 to 3466, 9 bases duplicated (CCAAGCTGC; older notation c.3458_3466dupCCAAGCTGC).
Protein change: p.Pro1153_Leu1155dup.
Molecular consequence: inframe insertion.
Genome position (GRCh38, 1-based): chr19:10,140,838-10,140,846, GCAGCTTGG duplicated on the plus strand (CCAAGCTGC on the coding strand, the reverse complement: DNMT1 is on the minus strand); duplicating any 9 consecutive bases within chr19:10,140,838-10,140,854 gives the same sequence; the c. name uses the placement nearest the transcript's 3' end. VCF-style (leftmost placement, unchanged base first): chr19-10140837-C-CGCAGCTTGG. GRCh37 (hg19) VCF-style: chr19-10251513-C-CGCAGCTTGG.
Other names: c.3410_3418dup, p.Pro1137_Leu1139dup (NM_001318730.2, NM_001379.4); c.3095_3103dup, p.Pro1032_Leu1034dup (NM_001318731.2); c.3458_3466dup (NM_001130823.1).
Identifiers: ClinVar variation 801417 (VCV000801417.10), dbSNP rs1449036579, ClinGen allele CA631448856.